The following is an entry in ClinVar:

ClinVar aggregate classification (germline): Likely benign (0 of 4 stars; one submission).

Conditions:
PCNT-related disorder. Also called: PCNT-related condition.

Submission:

PreventionGenetics, part of Exact Sciences
Classification: Likely benign for PCNT-related condition. Last evaluated: 2022-07-20. Review status: no assertion criteria provided. Collection method: clinical testing. Allele origin: germline.
Comment: This variant is classified as likely benign based on ACMG/AMP sequence variant interpretation guidelines (Richards et al. 2015 PMID: 25741868, with internal and published modifications).

NM_006031.6(PCNT):c.3798C>G (p.Ala1266=)

Gene: PCNT (pericentrin; plus strand). Cytogenetic location: 21q22.3.
Variant type: single nucleotide variant.
Coding change: c.3798C>G on transcript NM_006031.6 (MANE Select); coding-DNA position 3798, C replaced by G.
Protein change: p.Ala1266=; no amino-acid change (alanine 1266 retained).
Molecular consequence: synonymous variant.
Genome position (GRCh38, 1-based): chr21:46,389,389, C>G. VCF-style: chr21-46389389-C-G. GRCh37 (hg19) VCF-style: chr21-47809304-C-G.
Other names: c.3444C>G, p.Ala1148= (NM_001315529.2).
Identifiers: ClinVar variation 3353593 (VCV003353593.1).